The following is an entry in ClinVar:

NM_014467.3(SRPX2):c.1144G>A (p.Val382Met)

Gene: SRPX2 (sushi repeat containing protein X-linked 2; plus strand). Cytogenetic location: Xq22.1.
Variant type: single nucleotide variant.
Coding change: c.1144G>A on transcript NM_014467.3 (MANE Select); coding-DNA position 1144, G replaced by A.
Protein change: p.Val382Met; replaces valine 382 with methionine.
Molecular consequence: missense variant.
Genome position (GRCh38, 1-based): chrX:100,669,296, G>A. VCF-style: chrX-100669296-G-A. GRCh37 (hg19) VCF-style: chrX-99924293-G-A.
Other names: short protein forms V382M.
Identifiers: ClinVar variation 533651 (VCV000533651.10), dbSNP rs148241932, ClinGen allele CA10469643.

ClinVar aggregate classification (germline): Uncertain significance. Review status: criteria provided, multiple submitters, no conflicts (2 of 4 stars). 2 submissions from 2 submitters: Uncertain significance (2). Last evaluated 2022-12-28.

Conditions:
Rolandic epilepsy, impaired intellectual development, and speech dyspraxia, X-linked. Also called: Rolandic epilepsy, intellectual disability, and speech dyspraxia, X-linked; Rolandic epilepsy, impaired intellectual development, and speech dyspraxia. Identifiers: MedGen C1845070, MONDO:0010388, OMIM 300643.

Allele frequency attached by ClinVar (database versions not stated): gnomAD exomes below 0.00001 and 0.00001; ExAC 0.00001; ESP Exome Variant Server 0.00009; gnomAD 0.00004; TOPMed 0.00008.

Submissions (2):

Ambry Genetics
Classification: Uncertain significance. Last evaluated: 2022-12-28. Review status: criteria provided, single submitter. Criteria: Ambry Variant Classification Scheme 2023. Collection method: clinical testing. Allele origin: germline.

Labcorp Genetics (formerly Invitae), Labcorp
Classification: Uncertain significance for Rolandic epilepsy, impaired intellectual development, and speech dyspraxia, X-linked. Last evaluated: 2021-08-30. Review status: criteria provided, single submitter. Criteria: Invitae Variant Classification Sherloc (09022015). Collection method: clinical testing. Allele origin: germline.
Comment: This sequence change replaces valine with methionine at codon 382 of the SRPX2 protein (p.Val382Met). The valine residue is highly conserved and there is a small physicochemical difference between valine and methionine. This variant is present in population databases (rs148241932, ExAC 0.002%). This variant has not been reported in the literature in individuals affected with SRPX2-related conditions. Algorithms developed to predict the effect of missense changes on protein structure and function are either unavailable or do not agree on the potential impact of this missense change (SIFT: "Deleterious"; PolyPhen-2: "Probably Damaging"; Align-GVGD: "Class C0"). In summary, the available evidence is currently insufficient to determine the role of this variant in disease. Therefore, it has been classified as a Variant of Uncertain Significance.